The following is an entry in ClinVar:

NM_001286.5(CLCN6):c.2581C>T (p.Arg861Trp)

Gene: CLCN6 (chloride voltage-gated channel 6; plus strand). Cytogenetic location: 1p36.22.
Variant type: single nucleotide variant.
Coding change: c.2581C>T on transcript NM_001286.5 (MANE Select); coding-DNA position 2581, C replaced by T.
Protein change: p.Arg861Trp; replaces arginine 861 with tryptophan.
Molecular consequence: missense variant. On other transcripts: non-coding transcript variant (1).
Genome position (GRCh38, 1-based): chr1:11,840,194, C>T. VCF-style: chr1-11840194-C-T. GRCh37 (hg19) VCF-style: chr1-11900251-C-T.
Other names: c.2515C>T, p.Arg839Trp (NM_001256959.2); short protein forms R861W, R839W.
Identifiers: ClinVar variation 1500604 (VCV001500604.6), dbSNP rs376481714, ClinGen allele CA18005531.

ClinVar aggregate classification (germline): Uncertain significance (1 of 4 stars; one submission).

Allele frequency attached by ClinVar (database versions not stated): gnomAD exomes 0.00001 and 0.00002; TOPMed 0.00001; gnomAD 0.00003; ESP Exome Variant Server 0.00008.

Submission:

Labcorp Genetics (formerly Invitae), Labcorp
Classification: Uncertain significance. Last evaluated: 2024-07-21. Review status: criteria provided, single submitter. Criteria: Invitae Variant Classification Sherloc (09022015). Collection method: clinical testing. Allele origin: germline.
Comment: This sequence change replaces arginine, which is basic and polar, with tryptophan, which is neutral and slightly polar, at codon 861 of the CLCN6 protein (p.Arg861Trp). This variant is present in population databases (rs376481714, gnomAD 0.003%). This variant has not been reported in the literature in individuals affected with CLCN6-related conditions. ClinVar contains an entry for this variant (Variation ID: 1500604). An algorithm developed to predict the effect of missense changes on protein structure and function (PolyPhen-2) suggests that this variant is likely to be disruptive. In summary, the available evidence is currently insufficient to determine the role of this variant in disease. Therefore, it has been classified as a Variant of Uncertain Significance.